The following is an entry in ClinVar:

NM_003172.4(SURF1):c.563A>G (p.Asn188Ser)

Gene: SURF1 (SURF1 cytochrome c oxidase assembly factor; minus strand). Cytogenetic location: 9q34.2.
Variant type: single nucleotide variant.
Coding change: c.563A>G on transcript NM_003172.4 (MANE Select); coding-DNA position 563, A replaced by G.
Protein change: p.Asn188Ser; replaces asparagine 188 with serine.
Molecular consequence: missense variant.
Genome position (GRCh38, 1-based): chr9:133,352,719, T>C on the plus strand (A>G on the coding strand, the complement: SURF1 is on the minus strand). VCF-style: chr9-133352719-T-C. GRCh37 (hg19) VCF-style: chr9-136219574-T-C.
Other names: c.236A>G, p.Asn79Ser (NM_001280787.1); short protein forms N188S, N79S.
Identifiers: ClinVar variation 215234 (VCV000215234.12), dbSNP rs200702528, ClinGen allele CA321229.

ClinVar aggregate classification (germline): Conflicting classifications of pathogenicity. Review status: criteria provided, conflicting classifications (1 of 4 stars). 6 submissions from 6 submitters: Likely pathogenic (1); Uncertain significance (4). 1 of the submissions does not count toward it. Last evaluated 2024-12-15.

Conditions:
Inborn genetic diseases. Identifiers: MedGen C0950123, MeSH D030342.
Leigh syndrome (NULS). Also called: Leigh's syndrome; Leigh Disease; Subacute necrotizing encephalopathy; Necrotizing encephalopathy infantile subacute of Leigh; LEIGH SYNDROME, NUCLEAR; Leigh's necrotizing encephalopathy. Identifiers: Orphanet 506, MedGen C2931891, MONDO:0009723, OMIM 256000.

Allele frequency attached by ClinVar (database versions not stated): TOPMed 0.00008; gnomAD 0.00009 and 0.00010; gnomAD exomes 0.00012 and 0.00016; ExAC 0.00017; ESP Exome Variant Server 0.00023.

Submissions (9):

Labcorp Genetics (formerly Invitae), Labcorp
Classification: Uncertain significance for Leigh syndrome. Last evaluated: 2024-12-15. Review status: criteria provided, single submitter. Criteria: Invitae Variant Classification Sherloc (09022015). Collection method: clinical testing. Allele origin: germline.
Comment: This sequence change replaces asparagine, which is neutral and polar, with serine, which is neutral and polar, at codon 188 of the SURF1 protein (p.Asn188Ser). This variant is present in population databases (rs200702528, gnomAD 0.03%). This variant has not been reported in the literature in individuals affected with SURF1-related conditions. ClinVar contains an entry for this variant (Variation ID: 215234). An algorithm developed to predict the effect of missense changes on protein structure and function outputs the following: PolyPhen-2: "Benign". The serine amino acid residue is found in multiple mammalian species, which suggests that this missense change does not adversely affect protein function. Experimental studies are conflicting or provide insufficient evidence to determine the effect of this variant on SURF1 function (PMID: 29933018). Algorithms developed to predict the effect of sequence changes on RNA splicing suggest that this variant may disrupt the consensus splice site. In summary, the available evidence is currently insufficient to determine the role of this variant in disease. Therefore, it has been classified as a Variant of Uncertain Significance.

Blueprint Genetics
Classification: Uncertain significance. Last evaluated: 2023-12-20. Review status: criteria provided, single submitter. Criteria: ACMG Guidelines, 2015. Collection method: clinical testing. Allele origin: germline.

Women's Health and Genetics/Laboratory Corporation of America, LabCorp
Classification: Uncertain significance. Last evaluated: 2022-03-25. Review status: criteria provided, single submitter. Criteria: LabCorp Variant Classification Summary - May 2015. Collection method: clinical testing. Allele origin: germline.
Comment: Variant summary: SURF1 c.563A>G (p.Asn188Ser) results in a conservative amino acid change in the encoded protein sequence. Three of five in-silico tools predict a benign effect of the variant on protein function. The variant allele was found at a frequency of 0.00012 in 249650 control chromosomes (gnomAD). This frequency is not higher than expected for a pathogenic variant in SURF1 causing Leigh Syndrome (0.00012 vs 0.0018), allowing no conclusion about variant significance. c.563A>G has been reported in the literature in a heterozygous individual affected with a suspected genetic disease (specific phenotype not provided) (Lazaridis_2016). This report does not provide unequivocal conclusions about association of the variant with Leigh Syndrome. Experimental evidence evaluating an impact on protein function showed that the variant decreases complex IV assembly without affecting SURF1 stability (Li_2018). This report does not allow convincing conclusions about the variant effect. A ClinVar submitter (evaluation after 2014) cites the variant as uncertain significance. Based on the evidence outlined above, the variant was classified as uncertain significance.

Ambry Genetics
Classification: Uncertain significance for Inborn genetic diseases. Last evaluated: 2021-12-14. Review status: criteria provided, single submitter. Criteria: Ambry Variant Classification Scheme 2023. Collection method: clinical testing. Allele origin: germline.
Comment: Li, 2018 Based on insufficient or conflicting evidence, the clinical significance of this alteration remains unclear.

GeneDx
Classification: Likely pathogenic. Last evaluated: 2013-10-01. Review status: criteria provided, single submitter. Criteria: GeneDx Variant Classification (06012015). Collection method: clinical testing. Allele origin: germline. Affected: yes.
Comment: p.Asn188Ser (AAT>AGT): c.563 A>G in exon 6 of the SURF1 gene (NM_003172.2) The c.563 A>G sequence change has not been published as a mutation, nor has it been reported as a benign polymorphism to our knowledge. Multiple in-silico splice prediction models predict that c.563 A>G creates a cryptic donor site, which would be expected to lead to abnormal gene splicing. However, the true effect of c.563 A>G on splicing in vivo is not known. Therefore, based on the currently available information, it is unclear whether c.563 A>G is a disease-causing mutation or a rare benign variant. The variant is found in MITONUC-MITOP panel(s).

Department of Pathology and Laboratory Medicine, Sinai Health System
Classification: Uncertain significance. Review status: no assertion criteria provided. Collection method: clinical testing. Allele origin: unknown. Affected: yes. Study: The Canadian Open Genetics Repository (COGR). Not counted in ClinVar's aggregate classification.
Comment: The SURF1 p.N188S variant was identified in dbSNP (ID: rs200702528) and ClinVar (classified as uncertain significance by Invitae and as likely pathogenic by GeneDx). The variant was identified in control databases in 31 of 281050 chromosomes at a frequency of 0.0001103 (Genome Aggregation Database March 6, 2019, v2.1.1). The p.N188 residue is conserved in mammals and computational analyses (MUT Assesor, PolyPhen- 2, SIFT, MutationTaster, Revel, FATHMM, MetaLR, DANN) provide inconsistent predictions regarding the impact to the protein; this information is not very predictive of pathogenicity. Functional analysis suggests that this variant does not affect protein expression, but has mild effects on complex IV assembly (Li_2018_PMID: 29933018). The variant occurs outside of the splicing consensus sequence and in silico or computational prediction software programs (Splice AI exome and Splice AI genome) do not predict an effect on splicing. In summary, based on the above information the clinical significance of this variant cannot be determined with certainty at this time. This variant is classified as a variant of uncertain significance.Â¬â€

Dr. Peter K. Rogan Lab, Western University
No classification provided (evidence only). Condition: Lung cancer. Review status: no classification provided. Collection method: in vitro. Allele origin: not applicable. Functional consequence: retained intron. Not counted in ClinVar's aggregate classification.

Dr. Peter K. Rogan Lab, Western University
No classification provided (evidence only). Condition: Cervical cancer. Review status: no classification provided. Collection method: in vitro. Allele origin: not applicable. Functional consequence: skipped exon, retained intron. Not counted in ClinVar's aggregate classification.

Dr. Peter K. Rogan Lab, Western University
No classification provided (evidence only). Condition: Cholangiocarcinoma. Review status: no classification provided. Collection method: in vitro. Allele origin: not applicable. Functional consequence: retained intron. Not counted in ClinVar's aggregate classification.

Literature cited by the submitters: PubMed 29933018 (cited by 3 submitters); PubMed 26944241 (cited by Women's Health and Genetics/Laboratory Corporation of America, LabCorp).